The following is an entry in ClinVar:

NM_006231.4(POLE):c.3896A>G (p.Glu1299Gly)

Gene: POLE (DNA polymerase epsilon, catalytic subunit; minus strand). Cytogenetic location: 12q24.33.
Variant type: single nucleotide variant.
Coding change: c.3896A>G on transcript NM_006231.4 (MANE Select); coding-DNA position 3896, A replaced by G.
Protein change: p.Glu1299Gly; replaces glutamic acid 1299 with glycine.
Molecular consequence: missense variant.
Genome position (GRCh38, 1-based): chr12:132,649,415, T>C on the plus strand (A>G on the coding strand, the complement: POLE is on the minus strand). VCF-style: chr12-132649415-T-C. GRCh37 (hg19) VCF-style: chr12-133226001-T-C.
Other names: short protein forms E1299G.
Identifiers: ClinVar variation 5027055 (VCV005027055.1).

ClinVar aggregate classification (germline): Uncertain significance (1 of 4 stars; one submission).

Conditions:
Hereditary cancer-predisposing syndrome. Also called: Neoplastic Syndromes, Hereditary; Tumor predisposition; Hereditary neoplastic syndrome; Hereditary Cancer Syndrome. Identifiers: Orphanet 140162, MedGen C0027672, MeSH D009386, MONDO:0015356.

Submission:

Ambry Genetics
Classification: Uncertain significance for Hereditary cancer-predisposing syndrome. Last evaluated: 2026-06-26. Review status: criteria provided, single submitter. Criteria: Ambry Variant Classification Scheme 2023. Collection method: clinical testing. Allele origin: germline.
Comment: The p.E1299G variant (also known as c.3896A>G), located in coding exon 31 of the POLE gene, results from an A to G substitution at nucleotide position 3896. The glutamic acid at codon 1299 is replaced by glycine, an amino acid with similar properties. This amino acid position is conserved. In addition, this alteration is predicted to be tolerated by in silico analysis. Based on the available evidence, the clinical significance of this variant remains unclear.